The following is an entry in ClinVar:

ClinVar aggregate classification (germline): Benign. Review status: criteria provided, multiple submitters, no conflicts (2 of 4 stars). 6 submissions from 6 submitters: Benign (6). Last evaluated 2026-01-27.

Conditions:
Holoprosencephaly 11 (HPE11). Identifiers: Orphanet 2162, MedGen C3280215, MONDO:0013642, OMIM 614226.

Allele frequency attached by ClinVar (database versions not stated): gnomAD exomes 0.09154 and 0.10873; ESP Exome Variant Server 0.09862; TOPMed 0.10247; gnomAD 0.10328 and 0.10436; ExAC 0.10582; 1000 Genomes Project 30x 0.11196; 1000 Genomes Project 0.11222.

Submissions (6):

Labcorp Genetics (formerly Invitae), Labcorp
Classification: Benign for Holoprosencephaly 11. Last evaluated: 2026-01-27. Review status: criteria provided, single submitter. Criteria: Invitae Variant Classification Sherloc (09022015). Collection method: clinical testing. Allele origin: germline.

Blueprint Genetics
Classification: Benign. Last evaluated: 2024-11-27. Review status: criteria provided, single submitter. Criteria: ACMG Guidelines, 2015. Collection method: clinical testing. Allele origin: germline.

GeneDx
Classification: Benign. Last evaluated: 2018-11-10. Review status: criteria provided, single submitter. Criteria: GeneDx Variant Classification Process June 2021. Collection method: clinical testing. Allele origin: germline. Affected: yes.

Illumina Laboratory Services, Illumina
Classification: Benign for Holoprosencephaly 11. Last evaluated: 2018-01-13. Review status: criteria provided, single submitter. Criteria: ICSL Variant Classification Criteria 13 December 2019. Collection method: clinical testing. Allele origin: germline.
Comment: This variant was observed in the ICSL laboratory as part of a predisposition screen in an ostensibly healthy population. It had not been previously curated by ICSL or reported in the Human Gene Mutation Database (HGMD: prior to June 1st, 2018), and was therefore a candidate for classification through an automated scoring system. Utilizing variant allele frequency, disease prevalence and penetrance estimates, and inheritance mode, an automated score was calculated to assess if this variant is too frequent to cause the disease. Based on the score and internal cut-off values, a variant classified as benign is not then subjected to further curation. The score for this variant resulted in a classification of benign for this disease.

Breakthrough Genomics
Classification: Benign. Review status: criteria provided, single submitter. Criteria: ACMG Guidelines, 2015. Collection method: not provided. Allele origin: germline. Inheritance: Autosomal dominant inheritance. Affected: yes.

PreventionGenetics, part of Exact Sciences
Classification: Benign. Review status: criteria provided, single submitter. Criteria: ACMG Guidelines, 2015. Collection method: clinical testing. Allele origin: germline.

NM_001378964.1(CDON):c.640+12G>A

Gene: CDON (cell adhesion associated, oncogene regulated; minus strand). Cytogenetic location: 11q24.2.
Variant type: single nucleotide variant.
Coding change: c.640+12G>A on transcript NM_001378964.1 (MANE Select); 12 bases into the intron after coding-DNA position 640, G replaced by A.
Molecular consequence: intron variant.
Genome position (GRCh38, 1-based): chr11:126,018,318, C>T on the plus strand (G>A on the coding strand, the complement: CDON is on the minus strand). VCF-style: chr11-126018318-C-T. GRCh37 (hg19) VCF-style: chr11-125888213-C-T.
Other names: c.640+12G>A (NM_001441166.1, NM_016952.6, NM_001243597.3 and 5 more transcripts).
Identifiers: ClinVar variation 260803 (VCV000260803.18), dbSNP rs4426144, ClinGen allele CA6352285.
Genomic context (GRCh38, chr11:126,018,318, plus strand): 5'-TGAACTATCATTGCCCAACTTTTTATGAGGACTCTTCCTCTTCCAGTTACCATTATTCTC[C>T]CAAATACTTACGACTCACAAGGAGCTTTCGGCCAATAGGTTCAACTTTTAATTGATGTGT-3'